The following is an entry in ClinVar:

NM_000212.3(ITGB3):c.261C>G (p.Ala87=)

Gene: ITGB3 (integrin subunit beta 3; plus strand). Cytogenetic location: 17q21.32.
Variant type: single nucleotide variant.
Coding change: c.261C>G on transcript NM_000212.3 (MANE Select); coding-DNA position 261, C replaced by G.
Protein change: p.Ala87=; no amino-acid change (alanine 87 retained).
Molecular consequence: synonymous variant.
Genome position (GRCh38, 1-based): chr17:47,283,449, C>G. VCF-style: chr17-47283449-C-G. GRCh37 (hg19) VCF-style: chr17-45360815-C-G.
Other names: NM_000212.3(ITGB3):c.261C>G; p.Ala87=.
Identifiers: ClinVar variation 889447 (VCV000889447.9), dbSNP rs747991001, ClinGen allele CA8622902.

ClinVar aggregate classification (germline): Likely benign. Review status: reviewed by expert panel (3 of 4 stars). 3 submissions from 3 submitters: Likely benign (1). 2 of the submissions do not count toward it. Last evaluated 2024-03-07.

Conditions:
Glanzmann thrombasthenia. Also called: PLATELET GLYCOPROTEIN IIb-IIIa DEFICIENCY; BLEEDING DISORDER, PLATELET-TYPE, 2; THROMBASTHENIA OF GLANZMANN AND NAEGELI; Thrombasthenia; Glanzmann's thrombasthenia. Identifiers: Orphanet 849, MedGen C0040015, MONDO:0100326.

Allele frequency attached by ClinVar (database versions not stated): TOPMed below 0.00001; gnomAD 0.00001.
gnomAD v4.1: 2 of 1,614,044 alleles (0.00012%); highest among the groups gnomAD compares: African/African-American, 0.0027%; no homozygotes.

Submissions (3):

ClinGen Platelet Disorders Variant Curation Expert Panel, ClinGen
Classification: Likely benign for Glanzmann thrombasthenia. Last evaluated: 2024-03-07. Review status: reviewed by expert panel. Criteria: ClinGen Platelet ACMG Specifications v2-1. Collection method: curation. Allele origin: germline. Inheritance: Autosomal recessive inheritance.
Comment: After a comprehensive literature search of the synonymous variant NM_000212.3(ITGB3):c.261C>G (p.Ala87=), no individuals with Glanzmann thrombasthenia were reported with the variant and has only been observed in a ostensibly healthy population. The variant has a minor allele frequency of 0.00006 (1/16256 alleles) in the African/African American population in gnomAD, which meets the threshold criteria for PM2_supporting. In silico predictor spliceAI revealed that the synonymous mutation is not expected to impact splicing and a PhyloP score of 1.32 shows that the nucleotide position is not highly conserved (BP4, BP7). Due to conflicting evidence, this variant is classified as likely benign for autosomal recessive Glanzmann Thrombasthenia based on the ACMG/AMP criteria applied, as specified by the ClinGen PD-VCEP: PM2_Supporting, BP4, BP7. (PD VCEP specifications version 2.1).

Labcorp Genetics (formerly Invitae), Labcorp
Classification: Likely benign. Last evaluated: 2023-08-24. Review status: criteria provided, single submitter. Criteria: Invitae Variant Classification Sherloc (09022015). Collection method: clinical testing. Allele origin: germline. Not counted in ClinVar's aggregate classification.

Illumina Laboratory Services, Illumina
Classification: Uncertain significance for Glanzmann thrombasthenia 1. Last evaluated: 2018-01-12. Review status: criteria provided, single submitter. Criteria: ICSL Variant Classification Criteria 13 December 2019. Collection method: clinical testing. Allele origin: germline. Not counted in ClinVar's aggregate classification.